The following is an entry in ClinVar:

ClinVar aggregate classification (germline): Pathogenic. Review status: criteria provided, multiple submitters, no conflicts (2 of 4 stars). 2 submissions from 2 submitters: Pathogenic (2). Last evaluated 2020-05-26.

Conditions:
Polycystic kidney disease, adult type (PKD1). Also called: POLYCYSTIC KIDNEY DISEASE, ADULT, TYPE I; Polycystic Kidney, Autosomal Dominant; Polycystic Kidney Disease 1, Autosomal Dominant; Polycystic kidney disease 1; Polycystic kidney disease 1, severe; POLYCYSTIC KIDNEY DISEASE 1 WITH OR WITHOUT POLYCYSTIC LIVER DISEASE. Identifiers: MedGen C3149841, MONDO:0008263, OMIM 173900.

Submissions (2):

Victorian Clinical Genetics Services, Murdoch Childrens Research Institute
Classification: Pathogenic for Polycystic kidney disease, adult type. Last evaluated: 2020-05-26. Review status: criteria provided, single submitter. Criteria: ACMG Guidelines, 2015. Collection method: clinical testing. Allele origin: germline. Inheritance: Autosomal dominant inheritance.
Comment: Based on the classification scheme VCGS_Germline_v1.1.1, this variant is classified as Pathogenic. Following criteria are met: 0102 - Loss-of-function is a known mechanism of disease for this gene. (N) 0107 - This gene is known to be associated with autosomal dominant disease. Predominantly caused by monoallelic variants, with rare reports of bi-allelic variants causing disease. (N) 0201 - Variant is located in exon 15 of 46 and is predicted to cause nonsense-mediated decay (NMD) and loss of protein. (P) 0251 - Variant is heterozygous. (N) 0301 - Variant is absent from gnomAD. (P) 0701 - Comparable variants have very strong previous evidence for pathogenicity. Many NMD-predicted variants in this gene have been reported as pathogenic (ClinVar). (P) 0807 - Variant has not previously been reported in a clinical context. (N) 0905 - No segregation evidence has been identified for this variant. (N) 1007 - No published functional evidence has been identified for this variant. (N) 1208 - Inheritance information for this variant is not currently available. (N) Legend: (P) - Pathogenic, (N) - Neutral, (B) - Benign

Juno Genomics, Hangzhou Juno Genomics, Inc
Classification: Pathogenic for Polycystic kidney disease, adult type. Review status: criteria provided, single submitter. Criteria: ACMG Guidelines, 2015. Collection method: clinical testing. Allele origin: germline. Affected: yes.
Comment: Absent from controls (or at extremely low frequency if recessive) in Genome Aggregation Database, Exome Sequencing Project, 1000 Genomes Project, or Exome Aggregation Consortium.;Null variant in a gene where loss of function (LOF) is a known mechanism of disease.;Patient's phenotype or family history is highly specific for a disease with a single genetic etiology.

NM_001009944.3(PKD1):c.4919_4925dup (p.Tyr1643fs)

Gene: PKD1 (polycystin 1, transient receptor potential channel interacting; minus strand). Cytogenetic location: 16p13.3.
Variant type: Duplication.
Coding change: c.4919_4925dup on transcript NM_001009944.3 (MANE Select); coding-DNA positions 4919 to 4925, 7 bases duplicated (GTGGCCG; older notation c.4919_4925dupGTGGCCG).
Protein change: p.Tyr1643fs; shifts the reading frame from tyrosine 1643.
Molecular consequence: frameshift variant.
Genome position (GRCh38, 1-based): chr16:2,110,242-2,110,248, CGGCCAC duplicated on the plus strand (GTGGCCG on the coding strand, the reverse complement: PKD1 is on the minus strand); duplicating any 7 consecutive bases within chr16:2,110,242-2,110,250 gives the same sequence; the c. name uses the placement nearest the transcript's 3' end. VCF-style (leftmost placement, unchanged base first): chr16-2110241-G-GCGGCCAC. GRCh37 (hg19) VCF-style: chr16-2160242-G-GCGGCCAC.
Other names: c.4919_4925dup, p.Tyr1643fs (NM_000296.4); c.4919_4925dupGTGGCCG (NM_001009944.2); short protein forms Y1643fs.
Identifiers: ClinVar variation 1806297 (VCV001806297.3), dbSNP rs2544817124, ClinGen allele CA923726113.
Genomic context (GRCh38, chr16:2,110,241, plus strand): 5'-GACGTTGGTGCCATCCCTAACCACGGCCTGCAGCTGTACCGTGTGGTTGGTGGGGAAGTA[G>GCGGCCAC]CGGCCACCGCCCACCACCTGCAGCCCCTCTATGAGCTGCAGGACATAGACGAAGATGCTG-3'